The following is an entry in ClinVar:

NM_016816.4(OAS1):c.1180G>A (p.Asp394Asn)

Gene: OAS1 (2'-5'-oligoadenylate synthetase 1; plus strand). Cytogenetic location: 12q24.13.
Variant type: single nucleotide variant.
Coding change: c.1180G>A on transcript NM_016816.4 (MANE Select); coding-DNA position 1180, G replaced by A.
Protein change: p.Asp394Asn; replaces aspartic acid 394 with asparagine.
Molecular consequence: missense variant. On other transcripts: intron variant (1).
Genome position (GRCh38, 1-based): chr12:112,919,530, G>A. VCF-style: chr12-112919530-G-A. GRCh37 (hg19) VCF-style: chr12-113357335-G-A.
Other names: c.1082G>A, p.Gly361Glu (NM_001032409.3); c.1038+1830G>A (NM_001320151.2); short protein forms D394N, G361E.
Identifiers: ClinVar variation 1477007 (VCV001477007.6), dbSNP rs778063812, ClinGen allele CA386810637.

ClinVar aggregate classification (germline): Uncertain significance (1 of 4 stars; one submission).

Allele frequency attached by ClinVar (database versions not stated): TOPMed 0.00001.
gnomAD v4.1: 3 of 1,614,100 alleles (0.00019%); highest among the groups gnomAD compares: Admixed American, 0.0017%; no homozygotes.

Submission:

Labcorp Genetics (formerly Invitae), Labcorp
Classification: Uncertain significance. Last evaluated: 2021-04-05. Review status: criteria provided, single submitter. Criteria: Invitae Variant Classification Sherloc (09022015). Collection method: clinical testing. Allele origin: germline.
Comment: In summary, the available evidence is currently insufficient to determine the role of this variant in disease. Therefore, it has been classified as a Variant of Uncertain Significance. Algorithms developed to predict the effect of missense changes on protein structure and function output the following: SIFT: "Not Available"; PolyPhen-2: "Benign"; Align-GVGD: "Not Available". The asparagine amino acid residue is found in multiple mammalian species, suggesting that this missense change does not adversely affect protein function. These predictions have not been confirmed by published functional studies and their clinical significance is uncertain. This variant has not been reported in the literature in individuals with OAS1-related conditions. This variant is not present in population databases (ExAC no frequency). This sequence change replaces aspartic acid with asparagine at codon 394 of the OAS1 protein (p.Asp394Asn). The aspartic acid residue is weakly conserved and there is a small physicochemical difference between aspartic acid and asparagine.